The following is an entry in ClinVar:

ClinVar aggregate classification (germline): Uncertain significance (1 of 4 stars; one submission).

Conditions:
Acromesomelic dysplasia 1, Maroteaux type (AMD1). Also called: ST. HELENA DYSPLASIA; ACROMESOMELIC DYSPLASIA 1. Identifiers: Orphanet 40, MedGen C1864356, MONDO:0011275, OMIM 602875.
Tall stature-scoliosis-macrodactyly of the great toes syndrome. Also called: Epiphyseal chondrodysplasia, miura type. Identifiers: Orphanet 329191, MedGen C4014690, MONDO:0014401, OMIM 615923.

Allele frequency attached by ClinVar (database versions not stated): TOPMed below 0.00001; gnomAD exomes 0.00001; gnomAD 0.00002.

Submission:

Labcorp Genetics (formerly Invitae), Labcorp
Classification: Uncertain significance for Tall stature-scoliosis-macrodactyly of the great toes syndrome; Acromesomelic dysplasia 1, Maroteaux type. Last evaluated: 2023-04-06. Review status: criteria provided, single submitter. Criteria: Invitae Variant Classification Sherloc (09022015). Collection method: clinical testing. Allele origin: germline.
Comment: This sequence change replaces arginine, which is basic and polar, with glutamine, which is neutral and polar, at codon 299 of the NPR2 protein (p.Arg299Gln). This variant is present in population databases (no rsID available, gnomAD 0.01%). This variant has not been reported in the literature in individuals affected with NPR2-related conditions. Advanced modeling of protein sequence and biophysical properties (such as structural, functional, and spatial information, amino acid conservation, physicochemical variation, residue mobility, and thermodynamic stability) performed at Invitae indicates that this missense variant is not expected to disrupt NPR2 protein function. In summary, the available evidence is currently insufficient to determine the role of this variant in disease. Therefore, it has been classified as a Variant of Uncertain Significance.

NM_003995.4(NPR2):c.896G>A (p.Arg299Gln)

Gene: NPR2 (natriuretic peptide receptor 2; plus strand). Cytogenetic location: 9p13.3.
Variant type: single nucleotide variant.
Coding change: c.896G>A on transcript NM_003995.4 (MANE Select); coding-DNA position 896, G replaced by A.
Protein change: p.Arg299Gln; replaces arginine 299 with glutamine.
Molecular consequence: missense variant.
Genome position (GRCh38, 1-based): chr9:35,799,640, G>A. VCF-style: chr9-35799640-G-A. GRCh37 (hg19) VCF-style: chr9-35799637-G-A.
Other names: c.896G>A, p.Arg299Gln (NM_001378923.1); short protein forms R299Q.
Identifiers: ClinVar variation 2927042 (VCV002927042.3), dbSNP rs1481073248, ClinGen allele CA373369153.